The following is an entry in ClinVar:

NM_001205293.3(CACNA1E):c.1456G>A (p.Val486Met)

Gene: CACNA1E (calcium voltage-gated channel subunit alpha1 E; plus strand). Cytogenetic location: 1q25.3.
Variant type: single nucleotide variant.
Coding change: c.1456G>A on transcript NM_001205293.3 (MANE Select); coding-DNA position 1456, G replaced by A.
Protein change: p.Val486Met; replaces valine 486 with methionine.
Molecular consequence: missense variant.
Genome position (GRCh38, 1-based): chr1:181,717,233, G>A. VCF-style: chr1-181717233-G-A. GRCh37 (hg19) VCF-style: chr1-181686369-G-A.
Other names: c.1456G>A, p.Val486Met (NM_000721.4, NM_001205294.2); short protein forms V486M.
Identifiers: ClinVar variation 4781779 (VCV004781779.1).

ClinVar aggregate classification (germline): Uncertain significance (1 of 4 stars; one submission).

gnomAD v4.1: 2 of 1,613,972 alleles (0.00012%); highest among the groups gnomAD compares: Admixed American, 0.0017%; no homozygotes.

Submission:

Labcorp Genetics (formerly Invitae), Labcorp
Classification: Uncertain significance. Last evaluated: 2025-10-26. Review status: criteria provided, single submitter. Criteria: Invitae Variant Classification Sherloc (09022015). Collection method: clinical testing. Allele origin: germline.
Comment: This sequence change replaces valine, which is neutral and non-polar, with methionine, which is neutral and non-polar, at codon 486 of the CACNA1E protein (p.Val486Met). This variant is not present in population databases (gnomAD no frequency). This variant has not been reported in the literature in individuals affected with CACNA1E-related conditions. Invitae Evidence Modeling of protein sequence and biophysical properties (such as structural, functional, and spatial information, amino acid conservation, physicochemical variation, residue mobility, and thermodynamic stability) has been performed for this missense variant. However, the output from this modeling did not meet the statistical confidence thresholds required to predict the impact of this variant on CACNA1E protein function. In summary, the available evidence is currently insufficient to determine the role of this variant in disease. Therefore, it has been classified as a Variant of Uncertain Significance.